The following is an entry in ClinVar:

NM_006946.4(SPTBN2):c.584_585inv (p.Asn195Ser)

Gene: SPTBN2 (spectrin beta, non-erythrocytic 2; minus strand). Cytogenetic location: 11q13.2.
Variant type: Inversion.
Coding change: c.584_585inv on transcript NM_006946.4 (MANE Select).
Protein change: p.Asn195Ser; replaces asparagine 195 with serine.
Molecular consequence: missense variant.
Genome position: GRCh38 VCF-style: chr11-66714162-GT-AC. GRCh37 (hg19) VCF-style: chr11-66481633-GT-AC.
Other names: c.605_606inv, p.Asn202Ser (NM_001411025.1); short protein forms N195S, N202S.
Identifiers: ClinVar variation 3772627 (VCV003772627.13).

ClinVar aggregate classification (germline): Uncertain significance (1 of 4 stars; one submission).

Submission:

CeGaT Center for Human Genetics Tuebingen
Classification: Uncertain significance. Last evaluated: 2025-02-01. Review status: criteria provided, single submitter. Criteria: CeGaT Center For Human Genetics Tuebingen Variant Classification Criteria Version 2. Collection method: clinical testing. Allele origin: germline. Affected: yes. Observed: 1 variant allele.
Comment: SPTBN2: PM2